The following is an entry in ClinVar:

ClinVar aggregate classification (germline): Uncertain significance (1 of 4 stars; one submission).

Conditions:
Familial focal epilepsy with variable foci (FPEVF). Identifiers: Orphanet 98820, MedGen C1858477, MONDO:0020310.

Allele frequency attached by ClinVar (database versions not stated): gnomAD exomes below 0.00001.
gnomAD v4.1: 1 of 1,538,774 alleles (0.000065%); highest among the groups gnomAD compares: Non-Finnish European, 0.000087%; no homozygotes.

Submission:

Labcorp Genetics (formerly Invitae), Labcorp
Classification: Uncertain significance for Familial focal epilepsy with variable foci. Last evaluated: 2023-06-13. Review status: criteria provided, single submitter. Criteria: Invitae Variant Classification Sherloc (09022015). Collection method: clinical testing. Allele origin: germline.
Comment: In summary, the available evidence is currently insufficient to determine the role of this variant in disease. Therefore, it has been classified as a Variant of Uncertain Significance. Experimental studies and prediction algorithms are not available or were not evaluated, and the functional significance of this variant is currently unknown. This variant has not been reported in the literature in individuals affected with DEPDC5-related conditions. This variant is not present in population databases (gnomAD no frequency). This sequence change replaces phenylalanine, which is neutral and non-polar, with leucine, which is neutral and non-polar, at codon 250 of the DEPDC5 protein (p.Phe250Leu).

NM_001242896.3(DEPDC5):c.750C>G (p.Phe250Leu)

Gene: DEPDC5 (DEP domain containing 5, GATOR1 subcomplex subunit; plus strand). Cytogenetic location: 22q12.2.
Variant type: single nucleotide variant.
Coding change: c.750C>G on transcript NM_001242896.3 (MANE Select); coding-DNA position 750, C replaced by G.
Protein change: p.Phe250Leu; replaces phenylalanine 250 with leucine.
Molecular consequence: missense variant. On other transcripts: non-coding transcript variant (5).
Genome position (GRCh38, 1-based): chr22:31,792,800, C>G. VCF-style: chr22-31792800-C-G. GRCh37 (hg19) VCF-style: chr22-32188786-C-G.
Other names: c.750C>G, p.Phe250Leu (NM_001007188.4, NM_001136029.4, NM_001242897.2 and 7 more transcripts); c.666C>G, p.Phe222Leu (NM_001369901.1, NM_001369902.1); short protein forms F222L, F250L.
Identifiers: ClinVar variation 2809733 (VCV002809733.3), dbSNP rs2518623001, ClinGen allele CA411289394.